The following is an entry in ClinVar:

NM_002075.4(GNB3):c.200C>T (p.Ser67Phe)

Gene: GNB3 (G protein subunit beta 3; plus strand). Cytogenetic location: 12p13.31.
Variant type: single nucleotide variant.
Coding change: c.200C>T on transcript NM_002075.4 (MANE Select); coding-DNA position 200, C replaced by T.
Protein change: p.Ser67Phe; replaces serine 67 with phenylalanine.
Molecular consequence: missense variant.
Genome position (GRCh38, 1-based): chr12:6,843,073, C>T. VCF-style: chr12-6843073-C-T. GRCh37 (hg19) VCF-style: chr12-6952237-C-T.
Other names: c.200C>T, p.Ser67Phe (NM_001297571.2); short protein forms S67F.
Identifiers: ClinVar variation 242986 (VCV000242986.10), dbSNP rs140263599, ClinGen allele CA6417435.

ClinVar aggregate classification (germline): Uncertain significance. Review status: criteria provided, multiple submitters, no conflicts (2 of 4 stars). 4 submissions from 4 submitters: Uncertain significance (3). 1 of the submissions does not count toward it. Last evaluated 2025-05-28.

Conditions:
Congenital stationary night blindness 1H. Identifiers: MedGen C4310758, MONDO:0014872, OMIM 617024.
Retinal dystrophy. Also called: Inherited retinal dystrophy. Identifiers: Orphanet 71862, MedGen C0854723, MeSH D058499, MONDO:0019118, HP:0000556.

Allele frequency attached by ClinVar (database versions not stated): gnomAD exomes 0.00002 and 0.00003; TOPMed 0.00002; ExAC 0.00004; ESP Exome Variant Server 0.00008; 1000 Genomes Project 30x 0.00016; 1000 Genomes Project 0.00020; gnomAD 0.00001.

Submissions (4):

Labcorp Genetics (formerly Invitae), Labcorp
Classification: Uncertain significance. Last evaluated: 2025-05-28. Review status: criteria provided, single submitter. Criteria: Invitae Variant Classification Sherloc (09022015). Collection method: clinical testing. Allele origin: germline.
Comment: This sequence change replaces serine, which is neutral and polar, with phenylalanine, which is neutral and non-polar, at codon 67 of the GNB3 protein (p.Ser67Phe). This variant is present in population databases (rs140263599, gnomAD 0.005%). This missense change has been observed in individual(s) with congenital stationary night blindness (PMID: 27063057). ClinVar contains an entry for this variant (Variation ID: 242986). Invitae Evidence Modeling of protein sequence and biophysical properties (such as structural, functional, and spatial information, amino acid conservation, physicochemical variation, residue mobility, and thermodynamic stability) has been performed for this missense variant. However, the output from this modeling did not meet the statistical confidence thresholds required to predict the impact of this variant on GNB3 protein function. In summary, the available evidence is currently insufficient to determine the role of this variant in disease. Therefore, it has been classified as a Variant of Uncertain Significance.

Blueprint Genetics
Classification: Uncertain significance. Last evaluated: 2024-09-03. Review status: criteria provided, single submitter. Criteria: ACMG Guidelines, 2015. Collection method: clinical testing. Allele origin: germline.

Institute of Human Genetics, Univ. Regensburg, Univ. Regensburg
Classification: Uncertain significance for Retinal dystrophy. Last evaluated: 2022-01-01. Review status: criteria provided, single submitter. Criteria: ACMG Guidelines, 2015. Collection method: clinical testing. Allele origin: germline. Affected: yes.

OMIM
Classification: Pathogenic for NIGHT BLINDNESS, CONGENITAL STATIONARY, TYPE 1H. Last evaluated: 2016-08-12. Review status: no assertion criteria provided. Collection method: literature only. Allele origin: germline. Not counted in ClinVar's aggregate classification.

Literature cited by the submitters: PubMed 27063057 (cited by 3 submitters); PubMed 31589614 (cited by Institute of Human Genetics, Univ. Regensburg, Univ. Regensburg); PubMed 31964843 (cited by Institute of Human Genetics, Univ. Regensburg, Univ. Regensburg); PubMed 34426522 (cited by Institute of Human Genetics, Univ. Regensburg, Univ. Regensburg).